The following is an entry in ClinVar:

ClinVar aggregate classification (germline): Uncertain significance. Review status: criteria provided, multiple submitters, no conflicts (2 of 4 stars). 5 submissions from 5 submitters: Uncertain significance (5). Last evaluated 2025-03-21.

Conditions:
Lynch syndrome. Identifiers: Orphanet 144, MedGen C4552100, MONDO:0005835. Disease mechanism: loss of function.
Hereditary nonpolyposis colorectal neoplasms. Identifiers: MedGen C0009405, MeSH D003123.
Hereditary cancer-predisposing syndrome. Also called: Hereditary neoplastic syndrome; Tumor predisposition; Neoplastic Syndromes, Hereditary; Hereditary Cancer Syndrome. Identifiers: Orphanet 140162, MedGen C0027672, MeSH D009386, MONDO:0015356.

Allele frequency attached by ClinVar (database versions not stated): gnomAD exomes below 0.00001 and 0.00001; ExAC 0.00001; gnomAD 0.00001.
gnomAD v4.1: 7 of 1,608,022 alleles (0.00044%); highest among the groups gnomAD compares: South Asian, 0.0044%; no homozygotes.

Submissions (5):

Labcorp Genetics (formerly Invitae), Labcorp
Classification: Uncertain significance for Hereditary nonpolyposis colorectal neoplasms. Last evaluated: 2025-03-21. Review status: criteria provided, single submitter. Criteria: Invitae Variant Classification Sherloc (09022015). Collection method: clinical testing. Allele origin: germline.
Comment: This sequence change disrupts the translational stop signal of the MSH6 mRNA. It is expected to extend the length of the MSH6 protein by 29 additional amino acid residues. This variant is present in population databases (rs765098678, gnomAD 0.007%). This protein extension has been observed in individual(s) with hereditary breast and/or ovarian cancer (PMID: 35451682). ClinVar contains an entry for this variant (Variation ID: 418334). Experimental studies and prediction algorithms are not available or were not evaluated, and the functional significance of this variant is currently unknown. Algorithms developed to predict the effect of sequence changes on RNA splicing suggest that this variant may create or strengthen a splice site. In summary, the available evidence is currently insufficient to determine the role of this variant in disease. Therefore, it has been classified as a Variant of Uncertain Significance.

Ambry Genetics
Classification: Uncertain significance for Hereditary cancer-predisposing syndrome. Last evaluated: 2025-03-05. Review status: criteria provided, single submitter. Criteria: Ambry Variant Classification Scheme 2023. Collection method: clinical testing. Allele origin: germline.
Comment: The c.4081T>C variant (also known as p.*1361Qext*29), located in coding exon 10 of the MSH6 gene, results from a T to C substitution at nucleotide position 4081. This alteration disrupts the stop codon of the MSH6 gene and is predicted to preserve the native sequence while resulting in the elongation of the protein by 29 amino acids. The exact functional effect of the additional amino acids is unknown. This alteration was observed in the TCGA colorectal adenocarcinoma data set, which was used to represent sporadic cancer in a study of patients with wild-type PTEN who met at least the relaxed diagnostic criteria of the International Cowden Consortium (Lee YR et al. N Engl J Med, 2020 May;382:2103-2116). Based on the available evidence, the clinical significance of this variant remains unclear.

All of Us Research Program, National Institutes of Health
Classification: Uncertain significance for Lynch syndrome. Last evaluated: 2023-08-15. Review status: criteria provided, single submitter. Criteria: ACMG Guidelines, 2015. Collection method: clinical testing. Allele origin: germline. Inheritance: Autosomal dominant inheritance. Observed: 1 variant allele, 1 heterozygote.
Comment: This variant changes the translational stop signal of the MSH6 gene to glutamine. Translation read-through is expected to extend the length of the MSH6 protein by 29 additional amino acids. To our knowledge, functional studies have not been reported for this variant. This variant has not been reported in individuals affected with hereditary cancer in the literature. This variant has been identified in 3/282366 chromosomes in the general population by the Genome Aggregation Database (gnomAD). The available evidence is insufficient to determine the role of this variant in disease conclusively. Therefore, this variant is classified as a Variant of Uncertain Significance.

This study involves interpretation of variants in research participants for the purpose of population health screening. Participant phenotype was not available at the time of variant classification. Additional details can be found in publication PMID: 35346344, PMCID: PMC8962531

GeneDx
Classification: Uncertain significance. Last evaluated: 2023-03-24. Review status: criteria provided, single submitter. Criteria: GeneDx Variant Classification Process June 2021. Collection method: clinical testing. Allele origin: germline. Affected: yes.
Comment: Not observed at significant frequency in large population cohorts (gnomAD); Normal stop codon changed to a glutamine codon, leading to the addition of 29 amino acids at the C-terminus; Has not been previously published as pathogenic or benign to our knowledge; This variant is associated with the following publications: (PMID: 29703253)

Color Diagnostics, LLC DBA Color Health
Classification: Uncertain significance for Hereditary cancer-predisposing syndrome. Last evaluated: 2022-01-03. Review status: criteria provided, single submitter. Criteria: ACMG Guidelines, 2015. Collection method: clinical testing. Allele origin: germline.
Comment: This variant changes the translational stop signal of the MSH6 gene to glutamine. Translation read-through is expected to extend the length of the MSH6 protein by 29 additional amino acids. To our knowledge, functional studies have not been reported for this variant. This variant has not been reported in individuals affected with hereditary cancer in the literature. This variant has been identified in 3/282366 chromosomes in the general population by the Genome Aggregation Database (gnomAD). The available evidence is insufficient to determine the role of this variant in disease conclusively. Therefore, this variant is classified as a Variant of Uncertain Significance.

Literature cited by the submitters: PubMed 35451682 (cited by Labcorp Genetics (formerly Invitae), Labcorp); PubMed 32459922 (cited by Ambry Genetics).

NM_000179.3(MSH6):c.4081T>C (p.Ter1361Gln)

Gene: MSH6 (mutS homolog 6; plus strand). Cytogenetic location: 2p16.3.
Variant type: single nucleotide variant.
Coding change: c.4081T>C on transcript NM_000179.3 (MANE Select); coding-DNA position 4081, T replaced by C.
Protein change: p.Ter1361Gln.
Molecular consequence: stop lost.
Genome position (GRCh38, 1-based): chr2:47,806,858, T>C. VCF-style: chr2-47806858-T-C. GRCh37 (hg19) VCF-style: chr2-48033997-T-C.
Other names: *1361Q; *1231Q; *1059Q; c.3691T>C, p.Ter1231Gln (NM_001281492.2); c.3175T>C, p.Ter1059Gln (NM_001281493.2, NM_001281494.2).
Identifiers: ClinVar variation 418334 (VCV000418334.28), dbSNP rs765098678, ClinGen allele CA072869.
Genomic context (GRCh38, chr2:47,806,858, plus strand): 5'-GAAAGGTCAACTGTAGATGCTGAAGCTGTCCATAAATTGCTGACTTTGATTAAGGAATTA[T>C]AGACTGACTACATTGGAAGCTTTGAGTTGACTTCTGACAAAGGTGGTAAATTCAGACAAC-3'